The following is an entry in ClinVar:

ClinVar aggregate classification (germline): Uncertain significance. Review status: criteria provided, multiple submitters, no conflicts (2 of 4 stars). 2 submissions from 2 submitters: Uncertain significance (2). Last evaluated 2025-03-26.

Conditions:
Hereditary cancer-predisposing syndrome. Also called: Hereditary neoplastic syndrome; Hereditary Cancer Syndrome; Neoplastic Syndromes, Hereditary; Tumor predisposition. Identifiers: Orphanet 140162, MedGen C0027672, MeSH D009386, MONDO:0015356.
Familial cancer of breast. Also called: hereditary breast carcinoma; BREAST CANCER, FAMILIAL; Hereditary breast cancer. Identifiers: Orphanet 227535, MedGen C0346153, MONDO:0016419, OMIM 114480. Disease mechanism: loss of function.

Submissions (2):

Labcorp Genetics (formerly Invitae), Labcorp
Classification: Uncertain significance for Familial cancer of breast. Last evaluated: 2025-03-26. Review status: criteria provided, single submitter. Criteria: Invitae Variant Classification Sherloc (09022015). Collection method: clinical testing. Allele origin: germline.
Comment: This sequence change replaces threonine, which is neutral and polar, with asparagine, which is neutral and polar, at codon 89 of the CHEK2 protein (p.Thr89Asn). This variant is not present in population databases (gnomAD no frequency). This variant has not been reported in the literature in individuals affected with CHEK2-related conditions. ClinVar contains an entry for this variant (Variation ID: 1406419). An algorithm developed to predict the effect of missense changes on protein structure and function (PolyPhen-2) suggests that this variant is likely to be tolerated. In summary, the available evidence is currently insufficient to determine the role of this variant in disease. Therefore, it has been classified as a Variant of Uncertain Significance.

Ambry Genetics
Classification: Uncertain significance for Hereditary cancer-predisposing syndrome. Last evaluated: 2023-10-12. Review status: criteria provided, single submitter. Criteria: Ambry Variant Classification Scheme 2023. Collection method: clinical testing. Allele origin: germline.
Comment: The p.T89N variant (also known as c.266C>A), located in coding exon 1 of the CHEK2 gene, results from a C to A substitution at nucleotide position 266. The threonine at codon 89 is replaced by asparagine, an amino acid with similar properties. This amino acid position is conserved. In addition, this alteration is predicted to be tolerated by in silico analysis. Since supporting evidence is limited at this time, the clinical significance of this alteration remains unclear.

NM_007194.4(CHEK2):c.266C>A (p.Thr89Asn)

Gene: CHEK2 (checkpoint kinase 2; minus strand). Cytogenetic location: 22q12.1.
Variant type: single nucleotide variant.
Coding change: c.266C>A on transcript NM_007194.4 (MANE Select); coding-DNA position 266, C replaced by A.
Protein change: p.Thr89Asn; replaces threonine 89 with asparagine.
Molecular consequence: missense variant.
Genome position (GRCh38, 1-based): chr22:28,734,456, G>T on the plus strand (C>A on the coding strand, the complement: CHEK2 is on the minus strand). VCF-style: chr22-28734456-G-T. GRCh37 (hg19) VCF-style: chr22-29130444-G-T.
Other names: c.266C>A, p.Thr89Asn (NM_001005735.3, NM_001349956.3, NM_145862.3); c.-512C>A (NM_001257387.3); short protein forms T89N.
Identifiers: ClinVar variation 1406419 (VCV001406419.8), dbSNP rs1601851716, ClinGen allele CA411090478.